The following is an entry in ClinVar:

NM_032638.5(GATA2):c.*508G>A

Gene: GATA2 (GATA binding protein 2; minus strand). Cytogenetic location: 3q21.3.
Variant type: single nucleotide variant.
Coding change: c.*508G>A on transcript NM_032638.5 (MANE Select); 508 bases downstream of the stop codon, G replaced by A.
Molecular consequence: 3 prime UTR variant.
Genome position (GRCh38, 1-based): chr3:128,480,511, C>T on the plus strand (G>A on the coding strand, the complement: GATA2 is on the minus strand). VCF-style: chr3-128480511-C-T. GRCh37 (hg19) VCF-style: chr3-128199354-C-T.
Other names: c.*508G>A (NM_001145661.2, NM_001145662.1).
Identifiers: ClinVar variation 343121 (VCV000343121.5), dbSNP rs116559910, ClinGen allele CA10614757.

ClinVar aggregate classification (germline): Benign (1 of 4 stars; one submission).

Conditions:
Deafness-lymphedema-leukemia syndrome. Also called: Lymphedema, primary, with myelodysplasia; Emberger syndrome. Identifiers: Orphanet 3226, MedGen C3279664, MONDO:0013540, OMIM 614038.

Allele frequency attached by ClinVar (database versions not stated): gnomAD exomes 0.00072; 1000 Genomes Project 30x 0.00547; gnomAD 0.00392 and 0.00361; TOPMed 0.00423; 1000 Genomes Project 0.00559.
gnomAD v4.1: 613 of 244,056 alleles (0.25%); highest among the groups gnomAD compares: African/African-American, 1.3%; 4 homozygotes.

Submission:

Illumina Laboratory Services, Illumina
Classification: Benign for Deafness-lymphedema-leukemia syndrome. Last evaluated: 2018-01-12. Review status: criteria provided, single submitter. Criteria: ICSL Variant Classification Criteria 13 December 2019. Collection method: clinical testing. Allele origin: germline.
Comment: This variant was observed in the ICSL laboratory as part of a predisposition screen in an ostensibly healthy population. It had not been previously curated by ICSL or reported in the Human Gene Mutation Database (HGMD: prior to June 1st, 2018), and was therefore a candidate for classification through an automated scoring system. Utilizing variant allele frequency, disease prevalence and penetrance estimates, and inheritance mode, an automated score was calculated to assess if this variant is too frequent to cause the disease. Based on the score and internal cut-off values, a variant classified as benign is not then subjected to further curation. The score for this variant resulted in a classification of benign for this disease.